The following is an entry in ClinVar:

NM_000541.5(SAG):c.375+11C>T

Gene: SAG (S-antigen visual arrestin; plus strand). Cytogenetic location: 2q37.1.
Variant type: single nucleotide variant.
Coding change: c.375+11C>T on transcript NM_000541.5 (MANE Select); 11 bases into the intron after coding-DNA position 375, C replaced by T.
Molecular consequence: intron variant.
Genome position (GRCh38, 1-based): chr2:233,320,834, C>T. VCF-style: chr2-233320834-C-T. GRCh37 (hg19) VCF-style: chr2-234229480-C-T.
Identifiers: ClinVar variation 167634 (VCV000167634.21), dbSNP rs74356516, ClinGen allele CA180412.

ClinVar aggregate classification (germline): Benign/Likely benign. Review status: criteria provided, multiple submitters, no conflicts (2 of 4 stars). 6 submissions from 5 submitters: Benign (4); Likely benign (2). Last evaluated 2026-02-02.

Conditions:
Retinitis pigmentosa (RP). Identifiers: Orphanet 791, MedGen C0035334, MeSH D012174, MONDO:0019200, OMIM 268000. Inheritance: Autosomal dominant, autosomal recessive and X linked inheritance.
Oguchi disease. Also called: Oguchi's disease. Identifiers: Orphanet 75382, MedGen C1306122, MONDO:0019152.

Allele frequency attached by ClinVar (database versions not stated): 1000 Genomes Project 0.01378; 1000 Genomes Project 30x 0.01405; TOPMed 0.03327; gnomAD 0.03518 and 0.03568; gnomAD exomes 0.03626 and 0.05489; ESP Exome Variant Server 0.03866; ExAC 0.05401.
gnomAD v4.1: 82,640 of 1,572,420 alleles (5.3%); highest among the groups gnomAD compares: Non-Finnish European, 6.4%; 2,674 homozygotes.

Submissions (6):

Labcorp Genetics (formerly Invitae), Labcorp
Classification: Benign. Last evaluated: 2026-02-02. Review status: criteria provided, single submitter. Criteria: Invitae Variant Classification Sherloc (09022015). Collection method: clinical testing. Allele origin: germline.

GeneDx
Classification: Benign. Last evaluated: 2019-06-10. Review status: criteria provided, single submitter. Criteria: GeneDx Variant Classification Process June 2021. Collection method: clinical testing. Allele origin: germline. Affected: yes.

Illumina Laboratory Services, Illumina
Classification: Benign for Oguchi disease-1. Last evaluated: 2018-01-13. Review status: criteria provided, single submitter. Criteria: ICSL Variant Classification Criteria 13 December 2019. Collection method: clinical testing. Allele origin: germline.
Comment: This variant was observed in the ICSL laboratory as part of a predisposition screen in an ostensibly healthy population. It had not been previously curated by ICSL or reported in the Human Gene Mutation Database (HGMD: prior to June 1st, 2018), and was therefore a candidate for classification through an automated scoring system. Utilizing variant allele frequency, disease prevalence and penetrance estimates, and inheritance mode, an automated score was calculated to assess if this variant is too frequent to cause the disease. Based on the score and internal cut-off values, a variant classified as benign is not then subjected to further curation. The score for this variant resulted in a classification of benign for this disease.

Illumina Laboratory Services, Illumina
Classification: Likely benign for Retinitis pigmentosa. Last evaluated: 2018-01-13. Review status: criteria provided, single submitter. Criteria: ICSL Variant Classification Criteria 13 December 2019. Collection method: clinical testing. Allele origin: germline.
Comment: This variant was observed in the ICSL laboratory as part of a predisposition screen in an ostensibly healthy population. It had not been previously curated by ICSL or reported in the Human Gene Mutation Database (HGMD: prior to June 1st, 2018), and was therefore a candidate for classification through an automated scoring system. Utilizing variant allele frequency, disease prevalence and penetrance estimates, and inheritance mode, an automated score was calculated to assess if this variant is too frequent to cause the disease. Based on the score and internal cut-off values, a variant classified as likely benign is not then subjected to further curation. The score for this variant resulted in a classification of likely benign for this disease.

Eurofins Ntd Llc (ga)
Classification: Benign. Last evaluated: 2014-04-28. Review status: criteria provided, single submitter. Criteria: EGL Classification Definitions 2015. Collection method: clinical testing. Allele origin: germline. Observed: 1 variant allele, 1 heterozygote.

Breakthrough Genomics
Classification: Likely benign. Review status: criteria provided, single submitter. Criteria: ACMG Guidelines, 2015. Collection method: not provided. Allele origin: germline. Inheritance: Autosomal recessive inheritance. Affected: yes.